The following is an entry in ClinVar:

ClinVar aggregate classification (germline): Uncertain significance (1 of 4 stars; one submission).

Allele frequency attached by ClinVar (database versions not stated): ExAC 0.00001; gnomAD 0.00001; gnomAD exomes 0.00001; TOPMed 0.00002.
gnomAD v4.1: 4 of 1,613,762 alleles (0.00025%); highest among the groups gnomAD compares: Non-Finnish European, 0.00034%; no homozygotes.

Submission:

Labcorp Genetics (formerly Invitae), Labcorp
Classification: Uncertain significance. Last evaluated: 2022-04-15. Review status: criteria provided, single submitter. Criteria: Invitae Variant Classification Sherloc (09022015). Collection method: clinical testing. Allele origin: germline.
Comment: This sequence change falls in intron 14 of the MYO5B gene. It does not directly change the encoded amino acid sequence of the MYO5B protein. It affects a nucleotide within the consensus splice site. This variant is present in population databases (rs768715227, gnomAD 0.0009%). This variant has not been reported in the literature in individuals affected with MYO5B-related conditions. Variants that disrupt the consensus splice site are a relatively common cause of aberrant splicing (PMID: 17576681, 9536098). Algorithms developed to predict the effect of sequence changes on RNA splicing suggest that this variant is not likely to affect RNA splicing. In summary, the available evidence is currently insufficient to determine the role of this variant in disease. Therefore, it has been classified as a Variant of Uncertain Significance.

Literature cited by the submitters: PubMed 17576681; PubMed 9536098.

NM_001080467.3(MYO5B):c.1753-3T>C

Gene: MYO5B (myosin VB; minus strand). Cytogenetic location: 18q21.1.
Variant type: single nucleotide variant.
Coding change: c.1753-3T>C on transcript NM_001080467.3 (MANE Select); 3 bases into the intron before coding-DNA position 1753, T replaced by C.
Molecular consequence: intron variant.
Genome position (GRCh38, 1-based): chr18:49,937,400, A>G on the plus strand (T>C on the coding strand, the complement: MYO5B is on the minus strand). VCF-style: chr18-49937400-A-G. GRCh37 (hg19) VCF-style: chr18-47463770-A-G.
Identifiers: ClinVar variation 2126374 (VCV002126374.2), dbSNP rs768715227, ClinGen allele CA8961387.